The following is an entry in ClinVar:

NM_004183.4(BEST1):c.449G>C (p.Arg150Pro)

Gene: BEST1 (bestrophin 1; plus strand). Cytogenetic location: 11q12.3.
Variant type: single nucleotide variant.
Coding change: c.449G>C on transcript NM_004183.4 (MANE Select); coding-DNA position 449, G replaced by C.
Protein change: p.Arg150Pro; replaces arginine 150 with proline.
Molecular consequence: missense variant. On other transcripts: non-coding transcript variant (1).
Genome position (GRCh38, 1-based): chr11:61,955,919, G>C. VCF-style: chr11-61955919-G-C. GRCh37 (hg19) VCF-style: chr11-61723391-G-C.
Other names: c.269G>C, p.Arg90Pro (NM_001139443.3, NM_001300786.2, NM_001300787.2); c.131G>C, p.Arg44Pro (NM_001363591.3); c.449G>C, p.Arg150Pro (NM_001363592.2); c.-727G>C (NM_001363593.3); short protein forms R150P, R90P, R44P.
Identifiers: ClinVar variation 866479 (VCV000866479.15), dbSNP rs1249897117, ClinGen allele CA380835422.

ClinVar aggregate classification (germline): Conflicting classifications of pathogenicity. Review status: criteria provided, conflicting classifications (1 of 4 stars). 4 submissions from 4 submitters: Likely pathogenic (1); Uncertain significance (1). 2 of the submissions do not count toward it. Last evaluated 2025-05-05.

Conditions:
BEST1-related disorder. Also called: BEST1-related condition; BEST1-related disorders. Identifiers: MedGen CN239200.

Allele frequency attached by ClinVar (database versions not stated): gnomAD exomes 0.00001; TOPMed 0.00002.
gnomAD v4.1: 3 of 1,549,834 alleles (0.00019%); highest among the groups gnomAD compares: Admixed American, 0.0059%; no homozygotes.

Submissions (4):

Labcorp Genetics (formerly Invitae), Labcorp
Classification: Uncertain significance. Last evaluated: 2025-05-05. Review status: criteria provided, single submitter. Criteria: Invitae Variant Classification Sherloc (09022015). Collection method: clinical testing. Allele origin: germline.
Comment: This sequence change replaces arginine, which is basic and polar, with proline, which is neutral and non-polar, at codon 150 of the BEST1 protein (p.Arg150Pro). This variant is present in population databases (no rsID available, gnomAD 0.008%). This missense change has been observed in individual(s) with clinical features of autosomal recessive bestrophinopathy (PMID: 29976937). ClinVar contains an entry for this variant (Variation ID: 866479). Invitae Evidence Modeling of protein sequence and biophysical properties (such as structural, functional, and spatial information, amino acid conservation, physicochemical variation, residue mobility, and thermodynamic stability) indicates that this missense variant is expected to disrupt BEST1 protein function with a positive predictive value of 95%. In summary, the available evidence is currently insufficient to determine the role of this variant in disease. Therefore, it has been classified as a Variant of Uncertain Significance.

Blueprint Genetics
Classification: Likely pathogenic for BEST1-related disorders. Last evaluated: 2018-01-23. Review status: criteria provided, single submitter. Criteria: ACMG Guidelines, 2015. Collection method: clinical testing. Allele origin: germline. Affected: yes. Observed: 1 variant allele.

Clinical Genetics DNA and cytogenetics Diagnostics Lab, Erasmus MC, Erasmus Medical Center
Classification: Uncertain significance. Review status: no assertion criteria provided. Collection method: clinical testing. Allele origin: germline. Affected: yes. Study: VKGL Data-share Consensus. Not counted in ClinVar's aggregate classification.

Joint Genome Diagnostic Labs from Nijmegen and Maastricht, Radboudumc and MUMC+
Classification: Uncertain significance. Review status: no assertion criteria provided. Collection method: clinical testing. Allele origin: germline. Affected: yes. Study: VKGL Data-share Consensus. Not counted in ClinVar's aggregate classification.

Literature cited by the submitters: PubMed 29976937 (cited by Labcorp Genetics (formerly Invitae), Labcorp).